The following is an entry in ClinVar:

NM_152703.5(SAMD9L):c.1576A>G (p.Arg526Gly)

Gene: SAMD9L (sterile alpha motif domain containing 9 like; minus strand). Cytogenetic location: 7q21.2.
Variant type: single nucleotide variant.
Coding change: c.1576A>G on transcript NM_152703.5 (MANE Select); coding-DNA position 1576, A replaced by G.
Protein change: p.Arg526Gly; replaces arginine 526 with glycine.
Molecular consequence: missense variant.
Genome position (GRCh38, 1-based): chr7:93,134,396, T>C on the plus strand (A>G on the coding strand, the complement: SAMD9L is on the minus strand). VCF-style: chr7-93134396-T-C. GRCh37 (hg19) VCF-style: chr7-92763709-T-C.
Other names: c.1576A>G, p.Arg526Gly (NM_001303496.3, NM_001303497.3, NM_001303498.3 and 5 more transcripts); short protein forms R526G.
Identifiers: ClinVar variation 3437199 (VCV003437199.1).

ClinVar aggregate classification (germline): Uncertain significance (1 of 4 stars; one submission).

Conditions:
Inborn genetic diseases. Identifiers: MedGen C0950123, MeSH D030342.

Submission:

Ambry Genetics
Classification: Uncertain significance for Inborn genetic diseases. Last evaluated: 2024-11-28. Review status: criteria provided, single submitter. Criteria: Ambry Variant Classification Scheme 2023. Collection method: clinical testing. Allele origin: germline.
Comment: The p.R526G variant (also known as c.1576A>G), located in coding exon 1 of the SAMD9L gene, results from an A to G substitution at nucleotide position 1576. The arginine at codon 526 is replaced by glycine, an amino acid with dissimilar properties. This amino acid position is conserved. In addition, this alteration is predicted to be tolerated by in silico analysis. Based on the available evidence, the clinical significance of this variant remains unclear.